The following is an entry in ClinVar:

NM_000723.5(CACNB1):c.63G>A (p.Glu21=)

Genes: CACNB1 (calcium voltage-gated channel auxiliary subunit beta 1; minus strand), LOC130060751 (ATAC-STARR-seq lymphoblastoid silent region 8450; plus strand). Cytogenetic location: 17q12.
Variant type: single nucleotide variant.
Coding change: c.63G>A on transcript NM_000723.5 (MANE Select); coding-DNA position 63, G replaced by A.
Protein change: p.Glu21=; no amino-acid change (glutamic acid 21 retained).
Molecular consequence: synonymous variant.
Genome position (GRCh38, 1-based): chr17:39,197,433, C>T on the plus strand (G>A on the coding strand, the complement: CACNB1 is on the minus strand). VCF-style: chr17-39197433-C-T. GRCh37 (hg19) VCF-style: chr17-37353686-C-T.
Other names: c.63G>A, p.Glu21= (NM_199247.3, NM_199248.3).
Identifiers: ClinVar variation 2647711 (VCV002647711.24), dbSNP rs199687687, ClinGen allele CA8528727.

ClinVar aggregate classification (germline): Likely benign (1 of 4 stars; one submission).

Allele frequency attached by ClinVar (database versions not stated): 1000 Genomes Project 0.00220; 1000 Genomes Project 30x 0.00281; ESP Exome Variant Server 0.00441; gnomAD 0.00551; TOPMed 0.00566; ExAC 0.00600; gnomAD exomes 0.00764.
gnomAD v4.1: 10,905 of 1,478,560 alleles (0.74%); highest among the groups gnomAD compares: Non-Finnish European, 0.86%; 59 homozygotes.

Submission:

CeGaT Center for Human Genetics Tuebingen
Classification: Likely benign. Last evaluated: 2025-03-01. Review status: criteria provided, single submitter. Criteria: CeGaT Center For Human Genetics Tuebingen Variant Classification Criteria Version 2. Collection method: clinical testing. Allele origin: germline. Affected: yes. Observed: 4 variant alleles.
Comment: CACNB1: BP4, BP7, BS2